The following is an entry in ClinVar:

ClinVar aggregate classification (germline): Likely pathogenic (1 of 4 stars; one submission).

Submission:

Labcorp Genetics (formerly Invitae), Labcorp
Classification: Likely pathogenic. Last evaluated: 2023-12-12. Review status: criteria provided, single submitter. Criteria: Invitae Variant Classification Sherloc (09022015). Collection method: clinical testing. Allele origin: unknown.
Comment: This variant results in the deletion of exons 12-14 and part of exon 11 (c.1810_2985+1445del) of the EIF2AK3 gene. It is expected to disrupt RNA splicing. Variants that disrupt the donor or acceptor splice site typically lead to a loss of protein function (PMID: 16199547), and loss-of-function variants in EIF2AK3 are known to be pathogenic (PMID: 11997520). This variant has not been reported in the literature in individuals affected with EIF2AK3-related conditions. This variant disrupts a region of the EIF2AK3 protein in which other variant(s) (p.Gly957Glu) have been observed in individuals with EIF2AK3-related conditions (PMID: 16972080, 19837917). This suggests that this is a clinically significant region of the protein, and that variants that disrupt it are likely to be disease-causing. In summary, the currently available evidence indicates that the variant is pathogenic, but additional data are needed to prove that conclusively. Therefore, this variant has been classified as Likely Pathogenic.

Literature cited by the submitters: PubMed 16199547; PubMed 11997520; PubMed 16972080; PubMed 19837917.

NC_000002.11:g.(?_88868947)_(88879112_?)del

Gene: EIF2AK3 (eukaryotic translation initiation factor 2 alpha kinase 3; minus strand). Cytogenetic location: 2p11.2.
Variant type: Deletion.
Identifiers: ClinVar variation 3247530 (VCV003247530.1).